The following is an entry in ClinVar:

NM_015346.4(ZFYVE26):c.5036del (p.Leu1679fs)

Gene: ZFYVE26 (zinc finger FYVE-type containing 26; minus strand). Cytogenetic location: 14q24.1.
Variant type: Deletion.
Coding change: c.5036del on transcript NM_015346.4 (MANE Select); coding-DNA position 5036, one base deleted (T; older notation c.5036delT).
Protein change: p.Leu1679fs; shifts the reading frame from leucine 1679.
Molecular consequence: frameshift variant.
Genome position (GRCh38, 1-based): chr14:67,776,045, A deleted on the plus strand (T on the coding strand, the reverse complement: ZFYVE26 is on the minus strand). VCF-style (leftmost placement, unchanged base first): chr14-67776044-CA-C. GRCh37 (hg19) VCF-style: chr14-68242761-CA-C.
Other names: c.5036delT (NM_015346.3); short protein forms L1679fs.
Identifiers: ClinVar variation 30932 (VCV000030932.6), dbSNP rs753426920, ClinGen allele CA7239602.

ClinVar aggregate classification (germline): Pathogenic. Review status: criteria provided, single submitter (1 of 4 stars). 2 submissions from 2 submitters: Pathogenic (1). 1 of the submissions does not count toward it. Last evaluated 2022-05-05.

Conditions:
Spastic paraplegia. Identifiers: MedGen C0037772, HP:0001258.
Hereditary spastic paraplegia 15 (SPG15). Also called: KJELLIN SYNDROME; SPASTIC PARAPLEGIA 15, AUTOSOMAL RECESSIVE; SPASTIC PARAPLEGIA AND RETINAL DEGENERATION. Identifiers: Orphanet 100996, MedGen C1849128, MONDO:0010044, OMIM 270700.

Allele frequency attached by ClinVar (database versions not stated): ExAC 0.00001; gnomAD exomes below 0.00001.

Submissions (2):

Labcorp Genetics (formerly Invitae), Labcorp
Classification: Pathogenic for Spastic paraplegia. Last evaluated: 2022-05-05. Review status: criteria provided, single submitter. Criteria: Invitae Variant Classification Sherloc (09022015). Collection method: clinical testing. Allele origin: germline.
Comment: This sequence change creates a premature translational stop signal (p.Leu1679Argfs*9) in the ZFYVE26 gene. It is expected to result in an absent or disrupted protein product. Loss-of-function variants in ZFYVE26 are known to be pathogenic (PMID: 18394578, 19805727). For these reasons, this variant has been classified as Pathogenic. ClinVar contains an entry for this variant (Variation ID: 30932). This premature translational stop signal has been observed in individual(s) with hereditary spastic paraplegia (PMID: 19805727). This variant is present in population databases (rs753426920, gnomAD 0.0009%).

OMIM
Classification: Pathogenic for SPASTIC PARAPLEGIA 15, AUTOSOMAL RECESSIVE. Last evaluated: 2009-10-06. Review status: no assertion criteria provided. Collection method: literature only. Allele origin: germline. Not counted in ClinVar's aggregate classification.

Literature cited by the submitters: PubMed 18394578 (cited by Labcorp Genetics (formerly Invitae), Labcorp); PubMed 19805727 (cited by Labcorp Genetics (formerly Invitae), Labcorp and OMIM).